The following is an entry in ClinVar:

NM_152383.5(DIS3L2):c.1039T>C (p.Phe347Leu)

Gene: DIS3L2 (DIS3 like 3'-5' exoribonuclease 2; plus strand). Cytogenetic location: 2q37.1.
Variant type: single nucleotide variant.
Coding change: c.1039T>C on transcript NM_152383.5 (MANE Select); coding-DNA position 1039, T replaced by C.
Protein change: p.Phe347Leu; replaces phenylalanine 347 with leucine.
Molecular consequence: missense variant. On other transcripts: non-coding transcript variant (2).
Genome position (GRCh38, 1-based): chr2:232,163,547, T>C. VCF-style: chr2-232163547-T-C. GRCh37 (hg19) VCF-style: chr2-233028257-T-C.
Other names: c.1039T>C, p.Phe347Leu (NM_001257281.2); short protein forms F347L.
Identifiers: ClinVar variation 2170019 (VCV002170019.4), dbSNP rs1690717596, ClinGen allele CA351154347.

ClinVar aggregate classification (germline): Uncertain significance (1 of 4 stars; one submission).

Conditions:
Perlman syndrome (PRLMNS). Identifiers: Orphanet 2849, MedGen C0796113, MONDO:0009965, OMIM 267000.

Allele frequency attached by ClinVar (database versions not stated): TOPMed 0.00001.

Submission:

Labcorp Genetics (formerly Invitae), Labcorp
Classification: Uncertain significance for Perlman syndrome. Last evaluated: 2022-05-03. Review status: criteria provided, single submitter. Criteria: Invitae Variant Classification Sherloc (09022015). Collection method: clinical testing. Allele origin: germline.
Comment: Algorithms developed to predict the effect of missense changes on protein structure and function are either unavailable or do not agree on the potential impact of this missense change (SIFT: "Deleterious"; PolyPhen-2: "Probably Damaging"; Align-GVGD: "Class C0"). This variant has not been reported in the literature in individuals affected with DIS3L2-related conditions. This variant is not present in population databases (gnomAD no frequency). This sequence change replaces phenylalanine, which is neutral and non-polar, with leucine, which is neutral and non-polar, at codon 347 of the DIS3L2 protein (p.Phe347Leu). In summary, the available evidence is currently insufficient to determine the role of this variant in disease. Therefore, it has been classified as a Variant of Uncertain Significance.